The following is an entry in ClinVar:

ClinVar aggregate classification (germline): Uncertain significance. Review status: criteria provided, multiple submitters, no conflicts (2 of 4 stars). 2 submissions from 2 submitters: Uncertain significance (2). Last evaluated 2025-11-03.

Conditions:
Inborn genetic diseases. Identifiers: MedGen C0950123, MeSH D030342.

Allele frequency attached by ClinVar (database versions not stated): gnomAD exomes 0.00006; gnomAD 0.00004.
gnomAD v4.1: 68 of 1,234,576 alleles (0.0055%); highest among the groups gnomAD compares: Admixed American, 0.033%; no homozygotes.

Submissions (2):

Ambry Genetics
Classification: Uncertain significance for Inborn genetic diseases. Last evaluated: 2025-11-03. Review status: criteria provided, single submitter. Criteria: Ambry Variant Classification Scheme 2023. Collection method: clinical testing. Allele origin: germline.

CeGaT Center for Human Genetics Tuebingen
Classification: Uncertain significance. Last evaluated: 2022-12-01. Review status: criteria provided, single submitter. Criteria: CeGaT Center For Human Genetics Tuebingen Variant Classification Criteria Version 2. Collection method: clinical testing. Allele origin: germline. Affected: yes. Observed: 1 variant allele.
Comment: CHD3: PM2, BP4

NM_001005271.3(CHD3):c.205G>A (p.Gly69Ser)

Genes: CHD3 (chromodomain helicase DNA binding protein 3; plus strand), NAA38 (N-alpha-acetyltransferase 38, NatC auxiliary subunit; minus strand). Cytogenetic location: 17p13.1.
Variant type: single nucleotide variant.
Coding change: c.205G>A on transcript NM_001005271.3; coding-DNA position 205, G replaced by A.
Protein change: p.Gly69Ser; replaces glycine 69 with serine.
Molecular consequence: missense variant. On other transcripts: intron variant (1).
Genome position (GRCh38, 1-based): chr17:7,885,011, G>A. VCF-style: chr17-7885011-G-A. GRCh37 (hg19) VCF-style: chr17-7788329-G-A.
Other names: c.205G>A, p.Gly69Ser (NM_001437508.1, NM_001437509.1, NM_001437504.1 and 1 more transcripts); c.-167+154C>T (NM_001330111.2); short protein forms G69S.
Identifiers: ClinVar variation 2647419 (VCV002647419.22), dbSNP rs914983667, ClinGen allele CA287549078.